The following is an entry in ClinVar:

ClinVar aggregate classification (germline): Uncertain significance. Review status: criteria provided, multiple submitters, no conflicts (2 of 4 stars). 3 submissions from 3 submitters: Uncertain significance (3). Last evaluated 2024-04-16.

Conditions:
Charcot-Marie-Tooth disease type 2. Also called: Charcot-Marie-Tooth type 2. Identifiers: Orphanet 64746, MedGen C0270914, MONDO:0018993.
Primary dilated cardiomyopathy (DCM). Also called: Dilated Cardiomyopathy. Identifiers: Orphanet 217604, MedGen C0007193, MeSH D002311, MONDO:0005021, HP:0001644. Inheritance: Various modes of inheritance.

Allele frequency attached by ClinVar (database versions not stated): gnomAD exomes below 0.00001.

Submissions (3):

All of Us Research Program, National Institutes of Health
Classification: Uncertain significance for Primary dilated cardiomyopathy. Last evaluated: 2024-04-16. Review status: criteria provided, single submitter. Criteria: ACMG Guidelines, 2015. Collection method: clinical testing. Allele origin: germline. Inheritance: Autosomal dominant inheritance. Observed: 1 variant allele, 1 heterozygote.
Comment: This missense variant replaces alanine with aspartic acid at codon 130 of the LMNA protein. Computational prediction suggests that this variant may have deleterious impact on protein structure and function (internally defined REVEL score threshold >= 0.7, PMID: 27666373). To our knowledge, functional studies have not been reported for this variant. This variant has not been reported in individuals affected with LMNA-related disorders in the literature. This variant has not been identified in the general population by the Genome Aggregation Database (gnomAD). The available evidence is insufficient to determine the role of this variant in disease conclusively. Therefore, this variant is classified as a Variant of Uncertain Significance.

This study involves interpretation of variants in research participants for the purpose of population health screening. Participant phenotype was not available at the time of variant classification. Additional details can be found in publication PMID: 35346344, PMCID: PMC8962531

Revvity Omics, Revvity
Classification: Uncertain significance. Last evaluated: 2023-07-17. Review status: criteria provided, single submitter. Criteria: ACMG Guidelines, 2015. Collection method: clinical testing. Allele origin: germline.

Labcorp Genetics (formerly Invitae), Labcorp
Classification: Uncertain significance for Charcot-Marie-Tooth disease type 2. Last evaluated: 2022-06-27. Review status: criteria provided, single submitter. Criteria: Invitae Variant Classification Sherloc (09022015). Collection method: clinical testing. Allele origin: germline.
Comment: In summary, the available evidence is currently insufficient to determine the role of this variant in disease. Therefore, it has been classified as a Variant of Uncertain Significance. Algorithms developed to predict the effect of missense changes on protein structure and function (SIFT, PolyPhen-2, Align-GVGD) all suggest that this variant is likely to be disruptive. ClinVar contains an entry for this variant (Variation ID: 862581). This variant has not been reported in the literature in individuals affected with LMNA-related conditions. This variant is not present in population databases (gnomAD no frequency). This sequence change replaces alanine, which is neutral and non-polar, with aspartic acid, which is acidic and polar, at codon 130 of the LMNA protein (p.Ala130Asp).

NM_170707.4(LMNA):c.389C>A (p.Ala130Asp)

Genes: LMNA (lamin A/C; plus strand), LOC126805877 (MED14-independent group 3 enhancer GRCh37_chr1:156099693-156100892; plus strand). Cytogenetic location: 1q22.
Variant type: single nucleotide variant.
Coding change: c.389C>A on transcript NM_170707.4 (MANE Select); coding-DNA position 389, C replaced by A.
Protein change: p.Ala130Asp; replaces alanine 130 with aspartic acid.
Molecular consequence: missense variant.
Genome position (GRCh38, 1-based): chr1:156,130,649, C>A. VCF-style: chr1-156130649-C-A. GRCh37 (hg19) VCF-style: chr1-156100440-C-A.
Other names: c.53C>A, p.Ala18Asp (NM_001257374.3); c.146C>A, p.Ala49Asp (NM_001282624.2); c.389C>A, p.Ala130Asp (NM_001282625.2, NM_001282626.2, NM_005572.4 and 1 more transcripts); short protein forms A18D, A49D, A130D.
Identifiers: ClinVar variation 862581 (VCV000862581.13), dbSNP rs1650973990, ClinGen allele CA342815134.
Genomic context (GRCh38, chr1:156,130,649, plus strand): 5'-TAAATCTACTCTCCCCTCTCTTCTTTAGCAATACCAAGAAGGAGGGTGACCTGATAGCTG[C>A]TCAGGCTCGGCTGAAGGACCTGGAGGCTCTGCTGAACTCCAAGGAGGCCGCACTGAGCAC-3'
Protein context (NP_733821.1, residues 120-140): NTKKEGDLIA[Ala130Asp]QARLKDLEAL